The following is an entry in ClinVar:

ClinVar aggregate classification (germline): Conflicting classifications of pathogenicity. Review status: criteria provided, conflicting classifications (1 of 4 stars). 3 submissions from 3 submitters: Pathogenic (2); Uncertain significance (1). Last evaluated 2025-08-29.

Conditions:
Hypothyroidism due to TSH receptor mutations. Also called: Hypothyroidism, congenital, nongoitrous, 1; HYPOTHYROIDISM DUE TO UNRESPONSIVENESS TO THYROTROPIN; HYPOTHYROIDISM, CONGENITAL, DUE TO TSH RESISTANCE; HYPOTHYROIDISM, NONAUTOIMMUNE; THYROID-STIMULATING HORMONE, RESISTANCE TO; TSH RESISTANCE. Identifiers: Orphanet 90673, MedGen C3493776, MONDO:0010142, OMIM 275200.

Allele frequency attached by ClinVar (database versions not stated): ExAC 0.00001.
gnomAD v4.1: 6 of 1,614,026 alleles (0.00037%); highest among the groups gnomAD compares: South Asian, 0.0044%; no homozygotes.

Submissions (3):

Victorian Clinical Genetics Services, Murdoch Childrens Research Institute
Classification: Pathogenic for Hypothyroidism due to TSH receptor mutations. Last evaluated: 2025-08-29. Review status: criteria provided, single submitter. Criteria: ACMG Guidelines, 2015. Collection method: clinical testing. Allele origin: germline. Affected: yes.
Comment: This variant is classified as Pathogenic. Evidence in support of pathogenic classification: Variant is predicted to result in a truncated protein (premature termination codon is NOT located at least 54 nucleotides upstream of the final exon-exon junction) with less than 1/3 of the protein sequence affected; Variant is present in gnomAD <0.01 (v4: 6 heterozygote(s), 0 homozygote(s)); Other protein truncating variant(s) comparable to the one identified in this case have very strong previous evidence for pathogenicity (DECIPHER). Additional information: This variant is heterozygous; This gene is associated with both recessive and dominant disease (OMIM); Previous reports of pathogenicity for this variant are conflicting. It has been classified as pathogenic and as a variant of uncertain significance by clinical laboratories (ClinVar); No published evidence of segregation with disease has been identified for this variant; No published functional evidence has been identified for this variant; Variant is predicted to truncate part of the 7 transmembrane receptor domain (DECIPHER); Loss of function and gain of function are known mechanisms of disease in this gene. Loss of function is associated with autosomal recessive hypothyroidism, congenital, nongoitrous, 1 (MIM#275200), while gain of function is associated with autosomal dominant hyperthyroidism, familial gestational (MIM#603373), and hyperthyroidism, nonautoimmune (MIM#609152) (PMIDs: 38194289; 23154162).

Labcorp Genetics (formerly Invitae), Labcorp
Classification: Pathogenic. Last evaluated: 2023-11-25. Review status: criteria provided, single submitter. Criteria: Invitae Variant Classification Sherloc (09022015). Collection method: clinical testing. Allele origin: germline.
Comment: This sequence change creates a premature translational stop signal (p.Tyr601*) in the TSHR gene. While this is not anticipated to result in nonsense mediated decay, it is expected to disrupt the last 164 amino acid(s) of the TSHR protein. This variant is present in population databases (rs759300253, gnomAD 0.003%). This variant has not been reported in the literature in individuals affected with TSHR-related conditions. This variant disrupts a region of the TSHR protein in which other variant(s) (p.Leu653Val) have been determined to be pathogenic (PMID: 17456567, 19240155). This suggests that this is a clinically significant region of the protein, and that variants that disrupt it are likely to be disease-causing. For these reasons, this variant has been classified as Pathogenic.

Revvity Omics, Revvity
Classification: Uncertain significance. Last evaluated: 2023-11-21. Review status: criteria provided, single submitter. Criteria: ACMG Guidelines, 2015. Collection method: clinical testing. Allele origin: germline.

Literature cited by the submitters: PubMed 38194289 (cited by Victorian Clinical Genetics Services, Murdoch Childrens Research Institute); PubMed 17456567 (cited by Labcorp Genetics (formerly Invitae), Labcorp); PubMed 19240155 (cited by Labcorp Genetics (formerly Invitae), Labcorp).

NM_000369.5(TSHR):c.1803T>A (p.Tyr601Ter)

Genes: TSHR-AS1 (TSHR antisense RNA 1; minus strand), TSHR (thyroid stimulating hormone receptor; plus strand). Cytogenetic location: 14q31.1.
Variant type: single nucleotide variant.
Coding change: c.1803T>A on transcript NM_000369.5 (MANE Select); coding-DNA position 1803, T replaced by A.
Protein change: p.Tyr601Ter; replaces tyrosine 601 with a stop codon.
Molecular consequence: nonsense.
Genome position (GRCh38, 1-based): chr14:81,143,861, T>A. VCF-style: chr14-81143861-T-A. GRCh37 (hg19) VCF-style: chr14-81610205-T-A.
Other names: short protein forms Y601*.
Identifiers: ClinVar variation 2690285 (VCV002690285.7), dbSNP rs759300253, ClinGen allele CA7294529.
Genomic context (GRCh38, chr14:81,143,861, plus strand): 5'-ATATATTGTTTTTGTTCTGACGCTCAACATAGTTGCCTTCGTCATCGTCTGCTGCTGTTA[T>A]GTGAAGATCTACATCACAGTCCGAAATCCGCAGTACAACCCAGGGGACAAAGATACCAAA-3'